The following is an entry in ClinVar:

NM_001378156.1(C1QB):c.208G>A (p.Gly70Ser)

Gene: C1QB (complement C1q B chain; plus strand). Cytogenetic location: 1p36.12.
Variant type: single nucleotide variant.
Coding change: c.208G>A on transcript NM_001378156.1 (MANE Select); coding-DNA position 208, G replaced by A.
Protein change: p.Gly70Ser; replaces glycine 70 with serine.
Molecular consequence: missense variant.
Genome position (GRCh38, 1-based): chr1:22,660,838, G>A. VCF-style: chr1-22660838-G-A. GRCh37 (hg19) VCF-style: chr1-22987331-G-A.
Other names: c.214G>A, p.Gly72Ser (NM_000491.5); c.208G>A, p.Gly70Ser (NM_001371184.3); short protein forms G72S, G70S.
Identifiers: ClinVar variation 2096931 (VCV002096931.4), dbSNP rs1158228526, ClinGen allele CA338945637.
Genomic context (GRCh38, chr1:22,660,838, plus strand): 5'-AGTGATCTCACTTCTTTGGTCTCTGCTTTTCCAGGGCTTCCAGGGCTGGCTGGAGACCAT[G>A]GTGAGTTCGGAGAGAAGGGAGACCCAGGGATTCCTGGGAATCCAGGAAAAGTCGGCCCCA-3'
Protein context (NP_001365085.1, residues 60-80): KGLPGLAGDH[Gly70Ser]EFGEKGDPGI

ClinVar aggregate classification (germline): Uncertain significance (1 of 4 stars; one submission).

gnomAD v4.1: 2 of 1,613,982 alleles (0.00012%); highest among the groups gnomAD compares: South Asian, 0.0022%; no homozygotes.

Submission:

Labcorp Genetics (formerly Invitae), Labcorp
Classification: Uncertain significance. Last evaluated: 2022-08-16. Review status: criteria provided, single submitter. Criteria: Invitae Variant Classification Sherloc (09022015). Collection method: clinical testing. Allele origin: germline.
Comment: In summary, the available evidence is currently insufficient to determine the role of this variant in disease. Therefore, it has been classified as a Variant of Uncertain Significance. Algorithms developed to predict the effect of missense changes on protein structure and function (SIFT, PolyPhen-2, Align-GVGD) all suggest that this variant is likely to be tolerated. This variant has not been reported in the literature in individuals affected with C1QB-related conditions. This variant is present in population databases (no rsID available, gnomAD 0.003%). This sequence change replaces glycine, which is neutral and non-polar, with serine, which is neutral and polar, at codon 72 of the C1QB protein (p.Gly72Ser).